The following is an entry in ClinVar:

ClinVar aggregate classification (germline): Uncertain significance (1 of 4 stars; one submission).

Allele frequency attached by ClinVar (database versions not stated): TOPMed 0.00001; ExAC 0.00002.
gnomAD v4.1: 36 of 1,587,284 alleles (0.0023%); highest among the groups gnomAD compares: Non-Finnish European, 0.003%; no homozygotes.

Submission:

Labcorp Genetics (formerly Invitae), Labcorp
Classification: Uncertain significance. Last evaluated: 2023-06-20. Review status: criteria provided, single submitter. Criteria: Invitae Variant Classification Sherloc (09022015). Collection method: clinical testing. Allele origin: germline.
Comment: This sequence change falls in intron 4 of the ACAN gene. It does not directly change the encoded amino acid sequence of the ACAN protein. It affects a nucleotide within the consensus splice site. This variant is not present in population databases (gnomAD no frequency). This variant has not been reported in the literature in individuals affected with ACAN-related conditions. Variants that disrupt the consensus splice site are a relatively common cause of aberrant splicing (PMID: 17576681, 9536098). Algorithms developed to predict the effect of sequence changes on RNA splicing suggest that this variant is not likely to affect RNA splicing. In summary, the available evidence is currently insufficient to determine the role of this variant in disease. Therefore, it has been classified as a Variant of Uncertain Significance.

Literature cited by the submitters: PubMed 17576681; PubMed 9536098.

NM_001369268.1(ACAN):c.629+5G>A

Gene: ACAN (aggrecan; plus strand). Cytogenetic location: 15q26.1.
Variant type: single nucleotide variant.
Coding change: c.629+5G>A on transcript NM_001369268.1 (MANE Select); 5 bases into the intron after coding-DNA position 629, G replaced by A.
Molecular consequence: intron variant.
Genome position (GRCh38, 1-based): chr15:88,840,191, G>A. VCF-style: chr15-88840191-G-A. GRCh37 (hg19) VCF-style: chr15-89383422-G-A.
Other names: c.629+5G>A (NM_013227.4, NM_001411097.1, NM_001411096.1 and 1 more transcripts).
Identifiers: ClinVar variation 2895908 (VCV002895908.3), dbSNP rs763977040, ClinGen allele CA7719282.
Genomic context (GRCh38, chr15:88,840,191, plus strand): 5'-TACGAAGACGGCTTCCACCAGTGTGACGCCGGCTGGCTGGCTGACCAGACTGTCAGGTGA[G>A]CCCTAGCCCATCAGCTAGTGGGGGCCAGGAGTCAGCAGCCACAGGGGAGTGGGGCGGGTG-3'